The following is an entry in ClinVar:

ClinVar aggregate classification (germline): Likely benign. Review status: criteria provided, multiple submitters, no conflicts (2 of 4 stars). 4 submissions from 4 submitters: Likely benign (3). 1 of the submissions does not count toward it. Last evaluated 2025-08-01.

Conditions:
Kleefstra syndrome 2 (KLEFS2). Identifiers: MedGen C4540395, MONDO:0054701, OMIM 617768.
KMT2C-related disorder. Also called: KMT2C-related condition; KMT2C-related disorders.

Allele frequency attached by ClinVar (database versions not stated): ExAC 0.00003; TOPMed 0.00007; gnomAD exomes 0.00008 and 0.00015; gnomAD 0.00010 and 0.00011; ESP Exome Variant Server 0.00015.
gnomAD v4.1: 229 of 1,613,774 alleles (0.014%); highest among the groups gnomAD compares: Non-Finnish European, 0.019%; no homozygotes.

Submissions (4):

CeGaT Center for Human Genetics Tuebingen
Classification: Likely benign. Last evaluated: 2025-08-01. Review status: criteria provided, single submitter. Criteria: CeGaT Center For Human Genetics Tuebingen Variant Classification Criteria Version 2. Collection method: clinical testing. Allele origin: germline. Affected: yes. Observed: 2 variant alleles.
Comment: KMT2C: BS1

Labcorp Genetics (formerly Invitae), Labcorp
Classification: Likely benign. Last evaluated: 2025-07-15. Review status: criteria provided, single submitter. Criteria: Invitae Variant Classification Sherloc (09022015). Collection method: clinical testing. Allele origin: germline.

Department of Pathology and Laboratory Medicine, Sinai Health System
Classification: Likely benign for Kleefstra syndrome 2. Last evaluated: 2021-07-30. Review status: criteria provided, single submitter. Criteria: ACMG Guidelines, 2015. Collection method: research. Allele origin: germline.

PreventionGenetics, part of Exact Sciences
Classification: Likely benign for KMT2C-related condition. Last evaluated: 2023-12-28. Review status: no assertion criteria provided. Collection method: clinical testing. Allele origin: germline. Not counted in ClinVar's aggregate classification.
Comment: This variant is classified as likely benign based on ACMG/AMP sequence variant interpretation guidelines (Richards et al. 2015 PMID: 25741868, with internal and published modifications).

NM_170606.3(KMT2C):c.6383A>C (p.Gln2128Pro)

Gene: KMT2C (lysine methyltransferase 2C; minus strand). Cytogenetic location: 7q36.1.
Variant type: single nucleotide variant.
Coding change: c.6383A>C on transcript NM_170606.3 (MANE Select); coding-DNA position 6383, A replaced by C.
Protein change: p.Gln2128Pro; replaces glutamine 2128 with proline.
Molecular consequence: missense variant.
Genome position (GRCh38, 1-based): chr7:152,181,477, T>G on the plus strand (A>C on the coding strand, the complement: KMT2C is on the minus strand). VCF-style: chr7-152181477-T-G. GRCh37 (hg19) VCF-style: chr7-151878562-T-G.
Other names: c.6383A>C (NM_170606.2); short protein forms Q2128P.
Identifiers: ClinVar variation 1701541 (VCV001701541.37), dbSNP rs368424013, ClinGen allele CA4580086.